The following is an entry in ClinVar:

NM_000069.3(CACNA1S):c.1961A>G (p.Asn654Ser)

Gene: CACNA1S (calcium voltage-gated channel subunit alpha1 S; minus strand). Cytogenetic location: 1q32.1.
Variant type: single nucleotide variant.
Coding change: c.1961A>G on transcript NM_000069.3 (MANE Select); coding-DNA position 1961, A replaced by G.
Protein change: p.Asn654Ser; replaces asparagine 654 with serine.
Molecular consequence: missense variant.
Genome position (GRCh38, 1-based): chr1:201,074,608, T>C on the plus strand (A>G on the coding strand, the complement: CACNA1S is on the minus strand). VCF-style: chr1-201074608-T-C. GRCh37 (hg19) VCF-style: chr1-201043736-T-C.
Other names: short protein forms N654S.
Identifiers: ClinVar variation 3577359 (VCV003577359.2).

ClinVar aggregate classification (germline): Uncertain significance. Review status: criteria provided, multiple submitters, no conflicts (2 of 4 stars). 2 submissions from 2 submitters: Uncertain significance (2). Last evaluated 2025-03-18.

Conditions:
Malignant hyperthermia, susceptibility to, 5 (MHS5). Also called: CACNA1S-Related Malignant Hyperthermia Susceptibility. Identifiers: Orphanet 423, MedGen C1866077, MONDO:0011163, OMIM 601887.
Hypokalemic periodic paralysis, type 1. Also called: Hypokalemic Periodic Paralysis Type 1 (AD); HypoPP. Identifiers: Orphanet 681, MedGen C3714580, MONDO:0042979, OMIM 170400.
Congenital myopathy 18. Also called: Myopathy, congenital, due to dihydropyridine receptor defect; DIHYDROPYRIDINE RECEPTOR CONGENITAL MYOPATHY; DHPR CONGENITAL MYOPATHY. Identifiers: MedGen C5830283, MONDO:0859514, OMIM 620246.
Thyrotoxic periodic paralysis, susceptibility to, 1 (TTPP1). Identifiers: Orphanet 79102, MedGen C2749982, MONDO:0008570, OMIM 188580.

gnomAD v4.1: 7 of 1,611,518 alleles (0.00043%); highest among the groups gnomAD compares: African/African-American, 0.0053%; no homozygotes.

Submissions (2):

Labcorp Genetics (formerly Invitae), Labcorp
Classification: Uncertain significance for Hypokalemic periodic paralysis, type 1; Malignant hyperthermia, susceptibility to, 5. Last evaluated: 2025-03-18. Review status: criteria provided, single submitter. Criteria: Invitae Variant Classification Sherloc (09022015). Collection method: clinical testing. Allele origin: germline.
Comment: This sequence change replaces asparagine, which is neutral and polar, with serine, which is neutral and polar, at codon 654 of the CACNA1S protein (p.Asn654Ser). This variant is present in population databases (no rsID available, gnomAD 0.01%). This variant has not been reported in the literature in individuals affected with CACNA1S-related conditions. ClinVar contains an entry for this variant (Variation ID: 3577359). Invitae Evidence Modeling of protein sequence and biophysical properties (such as structural, functional, and spatial information, amino acid conservation, physicochemical variation, residue mobility, and thermodynamic stability) has been performed for this missense variant. However, the output from this modeling did not meet the statistical confidence thresholds required to predict the impact of this variant on CACNA1S protein function. In summary, the available evidence is currently insufficient to determine the role of this variant in disease. Therefore, it has been classified as a Variant of Uncertain Significance.

Fulgent Genetics
Classification: Uncertain significance for Hypokalemic periodic paralysis, type 1; Thyrotoxic periodic paralysis, susceptibility to, 1; Malignant hyperthermia, susceptibility to, 5; Congenital myopathy 18. Last evaluated: 2024-04-23. Review status: criteria provided, single submitter. Criteria: ACMG Guidelines, 2015. Collection method: clinical testing. Allele origin: germline.